The following is an entry in ClinVar:

NM_001367873.1(SOX6):c.54T>G (p.Asp18Glu)

Gene: SOX6 (SRY-box transcription factor 6; minus strand). Cytogenetic location: 11p15.2.
Variant type: single nucleotide variant.
Coding change: c.54T>G on transcript NM_001367873.1 (MANE Select); coding-DNA position 54, T replaced by G.
Protein change: p.Asp18Glu; replaces aspartic acid 18 with glutamic acid.
Molecular consequence: missense variant.
Genome position (GRCh38, 1-based): chr11:16,341,195, A>C on the plus strand (T>G on the coding strand, the complement: SOX6 is on the minus strand). VCF-style: chr11-16341195-A-C. GRCh37 (hg19) VCF-style: chr11-16362741-A-C.
Other names: c.54T>G, p.Asp18Glu (NM_033326.3, NM_001145811.2, NM_001145819.2 and 2 more transcripts); short protein forms D18E.
Identifiers: ClinVar variation 4172194 (VCV004172194.3).

ClinVar aggregate classification (germline): Conflicting classifications of pathogenicity. Review status: criteria provided, conflicting classifications (1 of 4 stars). 2 submissions from 2 submitters: Uncertain significance (1); Likely benign (1). Last evaluated 2025-09-11.

Conditions:
Inborn genetic diseases. Identifiers: MedGen C0950123, MeSH D030342.

gnomAD v4.1: 13 of 1,613,380 alleles (0.00081%); highest among the groups gnomAD compares: African/African-American, 0.015%; no homozygotes.

Submissions (2):

Ambry Genetics
Classification: Likely benign for Inborn genetic diseases. Last evaluated: 2025-09-11. Review status: criteria provided, single submitter. Criteria: Ambry Variant Classification Scheme 2023. Collection method: clinical testing. Allele origin: germline.

Dasa
Classification: Uncertain significance. Last evaluated: 2024-10-29. Review status: criteria provided, single submitter. Criteria: DASA Assertion Criteria. Collection method: clinical testing. Allele origin: germline.
Comment: NM_001367873.1(SOX6):c.54T>G (p.Asp18Glu) is a missense variant that results in the substitution of aspartic acid with glutamic acid. This variant is rare in population databases. Computational prediction algorithms are consistent with a benign effect. The currently available literature and clinical evidence are not sufficient to establish a definitive association between this variant and the reported condition. Therefore, this variant is classified as a variant of uncertain significance.